The following is an entry in ClinVar:

NM_001173990.3(TMEM216):c.343C>T (p.Arg115Cys)

Gene: TMEM216 (transmembrane protein 216; plus strand). Cytogenetic location: 11q12.2.
Variant type: single nucleotide variant.
Coding change: c.343C>T on transcript NM_001173990.3 (MANE Select); coding-DNA position 343, C replaced by T.
Protein change: p.Arg115Cys; replaces arginine 115 with cysteine.
Molecular consequence: missense variant.
Genome position (GRCh38, 1-based): chr11:61,397,887, C>T. VCF-style: chr11-61397887-C-T. GRCh37 (hg19) VCF-style: chr11-61165359-C-T.
Other names: c.343C>T (NM_001173991.2); c.343C>T, p.Arg115Cys (NM_001173991.3); c.160C>T, p.Arg54Cys (NM_001330285.2, NM_016499.6); short protein forms R115C, R54C.
Identifiers: ClinVar variation 500203 (VCV000500203.12), dbSNP rs774225426, ClinGen allele CA6034749.

ClinVar aggregate classification (germline): Uncertain significance. Review status: criteria provided, multiple submitters, no conflicts (2 of 4 stars). 6 submissions from 6 submitters: Uncertain significance (5). 1 of the submissions does not count toward it. Last evaluated 2025-12-06.

Conditions:
TMEM216-related disorder. Also called: TMEM216-related disorders; TMEM216-related condition.
Joubert syndrome. Also called: JOUBERT-BOLTSHAUSER SYNDROME; Familial aplasia of the vermis. Identifiers: Orphanet 475, MedGen C5979921, MONDO:0018772.
Joubert syndrome 2 (JBTS2). Also called: CEREBELLOOCULORENAL SYNDROME 2. Identifiers: Orphanet 2318, MedGen C1842577, MONDO:0011963, OMIM 608091.

Allele frequency attached by ClinVar (database versions not stated): gnomAD 0.00001; ExAC 0.00003; gnomAD exomes 0.00004 and 0.00005; TOPMed 0.00004.
gnomAD v4.1: 75 of 1,613,914 alleles (0.0046%); highest among the groups gnomAD compares: East Asian, 0.0089%; no homozygotes.

Submissions (6):

PreventionGenetics, part of Exact Sciences
Classification: Uncertain significance for TMEM216-related condition. Last evaluated: 2025-12-06. Review status: criteria provided, single submitter. Criteria: ACMG Guidelines, 2015. Collection method: clinical testing. Allele origin: germline.
Comment: The TMEM216 c.343C>T variant is predicted to result in the amino acid substitution p.Arg115Cys. To our knowledge, this variant has not been reported in the literature. This variant is reported in 0.011% of alleles in individuals of East Asian descent in gnomAD. At this time, the clinical significance of this variant is uncertain due to the absence of conclusive functional and genetic evidence.

Blueprint Genetics
Classification: Uncertain significance. Last evaluated: 2023-11-07. Review status: criteria provided, single submitter. Criteria: ACMG Guidelines, 2015. Collection method: clinical testing. Allele origin: germline.

Labcorp Genetics (formerly Invitae), Labcorp
Classification: Uncertain significance for Joubert syndrome. Last evaluated: 2022-08-16. Review status: criteria provided, single submitter. Criteria: Invitae Variant Classification Sherloc (09022015). Collection method: clinical testing. Allele origin: germline.
Comment: This sequence change replaces arginine, which is basic and polar, with cysteine, which is neutral and slightly polar, at codon 115 of the TMEM216 protein (p.Arg115Cys). This variant is present in population databases (rs774225426, gnomAD 0.01%). This variant has not been reported in the literature in individuals affected with TMEM216-related conditions. ClinVar contains an entry for this variant (Variation ID: 500203). Algorithms developed to predict the effect of missense changes on protein structure and function are either unavailable or do not agree on the potential impact of this missense change (SIFT: "Deleterious"; PolyPhen-2: "Probably Damaging"; Align-GVGD: "Class C0"). In summary, the available evidence is currently insufficient to determine the role of this variant in disease. Therefore, it has been classified as a Variant of Uncertain Significance.

GeneDx
Classification: Uncertain significance. Last evaluated: 2022-03-21. Review status: criteria provided, single submitter. Criteria: GeneDx Variant Classification Process June 2021. Collection method: clinical testing. Allele origin: germline. Affected: yes.
Comment: Not observed at significant frequency in large population cohorts (gnomAD); In silico analysis supports that this missense variant has a deleterious effect on protein structure/function; Has not been previously published as pathogenic or benign to our knowledge; This variant is associated with the following publications: (PMID: 22282472)

Eurofins Ntd Llc (ga)
Classification: Uncertain significance. Last evaluated: 2018-04-03. Review status: criteria provided, single submitter. Criteria: EGL ClinVar v180209 classification definitions. Collection method: clinical testing. Allele origin: germline. Observed: 2 variant alleles, 2 heterozygotes.

Natera, Inc.
Classification: Uncertain significance for Joubert syndrome type 2. Last evaluated: 2020-03-11. Review status: no assertion criteria provided. Collection method: clinical testing. Allele origin: germline. Not counted in ClinVar's aggregate classification.